The following is an entry in ClinVar:

ClinVar aggregate classification (germline): Uncertain significance (1 of 4 stars; one submission).

gnomAD v4.1: 1 of 1,211,493 alleles (0.000083%); highest among the groups gnomAD compares: Non-Finnish European, 0.00011%; no homozygotes.

Submission:

GeneDx
Classification: Uncertain significance. Last evaluated: 2025-11-26. Review status: criteria provided, single submitter. Criteria: GeneDx Variant Classification Process June 2021. Collection method: clinical testing. Allele origin: germline.
Comment: Not observed at significant frequency in large population cohorts (gnomAD); In silico analysis supports that this missense variant has a deleterious effect on protein structure/function; Has not been previously published as pathogenic or benign to our knowledge

NM_033380.3(COL4A5):c.4871G>C (p.Gly1624Ala)

Gene: COL4A5 (collagen type IV alpha 5 chain; plus strand). Cytogenetic location: Xq22.3.
Variant type: single nucleotide variant.
Coding change: c.4871G>C on transcript NM_033380.3 (MANE Select); coding-DNA position 4871, G replaced by C.
Protein change: p.Gly1624Ala; replaces glycine 1624 with alanine.
Molecular consequence: missense variant.
Genome position (GRCh38, 1-based): chrX:108,695,316, G>C. VCF-style: chrX-108695316-G-C. GRCh37 (hg19) VCF-style: chrX-107938546-G-C.
Other names: c.4853G>C, p.Gly1618Ala (NM_000495.5); short protein forms G1618A, G1624A.
Identifiers: ClinVar variation 3602816 (VCV003602816.2).